The following is an entry in ClinVar:

NM_024496.4(IRF2BPL):c.1699C>T (p.Gln567Ter)

Gene: IRF2BPL (interferon regulatory factor 2 binding protein like; minus strand). Cytogenetic location: 14q24.3.
Variant type: single nucleotide variant.
Coding change: c.1699C>T on transcript NM_024496.4 (MANE Select); coding-DNA position 1699, C replaced by T.
Protein change: p.Gln567Ter; replaces glutamine 567 with a stop codon.
Molecular consequence: nonsense.
Genome position (GRCh38, 1-based): chr14:77,026,094, G>A on the plus strand (C>T on the coding strand, the complement: IRF2BPL is on the minus strand). VCF-style: chr14-77026094-G-A. GRCh37 (hg19) VCF-style: chr14-77492437-G-A.
Other names: short protein forms Q567*.
Identifiers: ClinVar variation 3348175 (VCV003348175.1).
Genomic context (GRCh38, chr14:77,026,094, plus strand): 5'-CGAAGCCCCCGGCGGACATGGTGAGCTTCAGCGCCTCGCTCTGGTTCGCCATCCACTGCT[G>A]CCTCTGCTGTTCCTCGCCCAGCTTCAGCGCGCCCTCGGCTGAGTCCGGGGGCTCCGGAGA-3'

ClinVar aggregate classification (germline): Likely pathogenic (0 of 4 stars; one submission).

Conditions:
IRF2BPL-related disorder. Also called: IRF2BPL-related condition. Identifiers: MedGen CN381093.

Submission:

PreventionGenetics, part of Exact Sciences
Classification: Likely pathogenic for IRF2BPL-related condition. Last evaluated: 2024-03-25. Review status: no assertion criteria provided. Collection method: clinical testing. Allele origin: germline.
Comment: The IRF2BPL c.1699C>T variant is predicted to result in premature protein termination (p.Gln567*). To our knowledge, this variant has not been reported in the literature or in a large population database, indicating this variant is rare. Nonsense variants in IRF2BPL are expected to be pathogenic. This variant is interpreted as likely pathogenic.